The following is an entry in ClinVar:

ClinVar aggregate classification (germline): Pathogenic. Review status: criteria provided, single submitter (1 of 4 stars). 2 submissions from 2 submitters: Pathogenic (1). 1 of the submissions does not count toward it. Last evaluated 2018-07-01.

Conditions:
Tubulinopathy. Also called: Tubulinopathies. Identifiers: MedGen CN850169, MONDO:0100153.

Submissions (2):

Institute of Human Genetics, FAU Erlangen, Friedrich-Alexander-Universität Erlangen-Nürnberg
Classification: Pathogenic for Tubulinopathies. Last evaluated: 2018-07-01. Review status: criteria provided, single submitter. Criteria: ACMG Guidelines, 2015. Collection method: literature only. Allele origin: de novo. Affected: yes. Observed: 1 variant allele.
Comment: The c.1177C>T, p.(His393Tyr) variant has been reported as a variant of de novo origin.

Molecular Genetics Laboratory, BC Children's and BC Women's Hospitals
Classification: Likely pathogenic for Tubulinopathy. Last evaluated: 2016-06-15. Review status: no assertion criteria provided. Criteria: ACMG Guidelines, 2015. Collection method: clinical testing. Allele origin: de novo. Affected: yes. Not counted in ClinVar's aggregate classification.

Literature cited by the submitters: PubMed 30744660 (cited by Institute of Human Genetics, FAU Erlangen, Friedrich-Alexander-Universität Erlangen-Nürnberg); DOI 10.1101/427948 (cited by Institute of Human Genetics, FAU Erlangen, Friedrich-Alexander-Universität Erlangen-Nürnberg).

NM_006009.4(TUBA1A):c.1177C>T (p.His393Tyr)

Gene: TUBA1A (tubulin alpha 1a; minus strand). Cytogenetic location: 12q13.12.
Variant type: single nucleotide variant.
Coding change: c.1177C>T on transcript NM_006009.4 (MANE Select); coding-DNA position 1177, C replaced by T.
Protein change: p.His393Tyr; replaces histidine 393 with tyrosine.
Molecular consequence: missense variant.
Genome position (GRCh38, 1-based): chr12:49,185,189, G>A on the plus strand (C>T on the coding strand, the complement: TUBA1A is on the minus strand). VCF-style: chr12-49185189-G-A. GRCh37 (hg19) VCF-style: chr12-49578972-G-A.
Other names: c.1177C>T, p.His393Tyr (NM_001270399.2); c.1072C>T, p.His358Tyr (NM_001270400.2); short protein forms H393Y, H358Y.
Identifiers: ClinVar variation 438298 (VCV000438298.3), dbSNP rs1555162288, ClinGen allele CA384635021.